The following is an entry in ClinVar:

NM_018834.6(MATR3):c.749A>G (p.Tyr250Cys)

Gene: MATR3 (matrin 3; plus strand). Cytogenetic location: 5q31.2.
Variant type: single nucleotide variant.
Coding change: c.749A>G on transcript NM_018834.6 (MANE Select); coding-DNA position 749, A replaced by G.
Protein change: p.Tyr250Cys; replaces tyrosine 250 with cysteine.
Molecular consequence: missense variant. On other transcripts: intron variant (11).
Genome position (GRCh38, 1-based): chr5:139,308,164, A>G. VCF-style: chr5-139308164-A-G. GRCh37 (hg19) VCF-style: chr5-138643853-A-G.
Other names: c.749A>G, p.Tyr250Cys (NM_001194954.2, NM_001194955.2, NM_001400441.1 and 16 more transcripts); c.52-6511A>G (NM_001400459.1); c.-102-6511A>G (NM_001400463.1, NM_001400460.1, NM_001282278.2 and 3 more transcripts); c.-40-7533A>G (NM_001400462.1, NM_001400467.1); c.13-6511A>G (NM_001400461.1); c.49-6511A>G (NM_001194956.2); c.749A>G (NM_199189.2); short protein forms Y250C.
Identifiers: ClinVar variation 2171855 (VCV002171855.6), dbSNP rs1031948008, ClinGen allele CA128744131.
Genomic context (GRCh38, chr5:139,308,164, plus strand): 5'-GTAGGGATGATTCTTTTTTTGGTGAGACCTCGCATAACTATCATAAATTTGACAGTGAGT[A>G]TGAGAGAATGGGACGTGGTCCTGGCCCCTTACAAGAGAGATCTCTCTTTGAGAAAAAGAG-3'
Protein context (NP_061322.2, residues 240-260): SHNYHKFDSE[Tyr250Cys]ERMGRGPGPL

ClinVar aggregate classification (germline): Uncertain significance. Review status: criteria provided, multiple submitters, no conflicts (2 of 4 stars). 2 submissions from 2 submitters: Uncertain significance (2). Last evaluated 2025-10-21.

Conditions:
Inborn genetic diseases. Identifiers: MedGen C0950123, MeSH D030342.
Amyotrophic lateral sclerosis type 21. Also called: VOCAL CORD AND PHARYNGEAL DYSFUNCTION WITH DISTAL MYOPATHY; MYOPATHY, DISTAL, 2. Identifiers: Orphanet 600, Orphanet 803, MedGen C3807521, MONDO:0011632, OMIM 606070.

Allele frequency attached by ClinVar (database versions not stated): gnomAD exomes below 0.00001; gnomAD 0.00001; TOPMed 0.00002.
gnomAD v4.1: 5 of 1,614,012 alleles (0.00031%); highest among the groups gnomAD compares: African/African-American, 0.0027%; no homozygotes.

Submissions (2):

Ambry Genetics
Classification: Uncertain significance for Inborn genetic diseases. Last evaluated: 2025-10-21. Review status: criteria provided, single submitter. Criteria: Ambry Variant Classification Scheme 2023. Collection method: clinical testing. Allele origin: germline.

Labcorp Genetics (formerly Invitae), Labcorp
Classification: Uncertain significance for Amyotrophic lateral sclerosis type 21. Last evaluated: 2025-06-02. Review status: criteria provided, single submitter. Criteria: Invitae Variant Classification Sherloc (09022015). Collection method: clinical testing. Allele origin: germline.
Comment: This sequence change replaces tyrosine, which is neutral and polar, with cysteine, which is neutral and slightly polar, at codon 250 of the MATR3 protein (p.Tyr250Cys). This variant is present in population databases (no rsID available, gnomAD 0.01%). This variant has not been reported in the literature in individuals affected with MATR3-related conditions. ClinVar contains an entry for this variant (Variation ID: 2171855). Invitae Evidence Modeling of protein sequence and biophysical properties (such as structural, functional, and spatial information, amino acid conservation, physicochemical variation, residue mobility, and thermodynamic stability) indicates that this missense variant is expected to disrupt MATR3 protein function with a positive predictive value of 80%. In summary, the available evidence is currently insufficient to determine the role of this variant in disease. Therefore, it has been classified as a Variant of Uncertain Significance.